The following is an entry in ClinVar:

ClinVar aggregate classification (germline): Uncertain significance. Review status: criteria provided, multiple submitters, no conflicts (2 of 4 stars). 3 submissions from 3 submitters: Uncertain significance (3). Last evaluated 2024-12-29.

Conditions:
Visceral myopathy 2. Identifiers: MedGen C5543466, MONDO:0859157, OMIM 619350.
Megacystis-microcolon-intestinal hypoperistalsis syndrome 2. Identifiers: MedGen C5543476, MONDO:0025708, OMIM 619351.
Aortic aneurysm, familial thoracic 4 (AAT4). Also called: AORTIC ANEURYSM/AORTIC DISSECTION AND PATENT DUCTUS ARTERIOSUS. Identifiers: MedGen C1851504, MONDO:0007568, OMIM 132900.
Familial thoracic aortic aneurysm and aortic dissection (TAAD). Also called: Thoracic aortic aneurysms and dissections. Identifiers: Orphanet 91387, MedGen C4707243, MONDO:0019625.

Submissions (3):

GeneDx
Classification: Uncertain significance. Last evaluated: 2024-12-29. Review status: criteria provided, single submitter. Criteria: GeneDx Variant Classification Process June 2021. Collection method: clinical testing. Allele origin: germline. Affected: yes.
Comment: In-frame insertion of 1 amino acid in a non-repeat region; Has not been previously published as pathogenic or benign to our knowledge

Ambry Genetics
Classification: Uncertain significance for Familial thoracic aortic aneurysm and aortic dissection. Last evaluated: 2024-09-13. Review status: criteria provided, single submitter. Criteria: Ambry Variant Classification Scheme 2023. Collection method: clinical testing. Allele origin: germline.
Comment: The c.5788_5789insTTC variant (also known as p.R1929_R1930insL), located in coding exon 40 of the MYH11 gene, results from an in-frame TTC insertion at nucleotide positions 5788 to 5789. This results in the insertion of an extra leucine residue between codons 1929 and 1930. This amino acid position is highly conserved in available vertebrate species. In addition, this alteration is predicted to be deleterious by in silico analysis (Choi Y et al. PLoS ONE. 2012; 7(10):e46688). Since supporting evidence is limited at this time, the clinical significance of this alteration remains unclear.

Fulgent Genetics
Classification: Uncertain significance for Aortic aneurysm, familial thoracic 4; Visceral myopathy 2; Megacystis-microcolon-intestinal hypoperistalsis syndrome 2. Last evaluated: 2021-10-16. Review status: criteria provided, single submitter. Criteria: ACMG Guidelines, 2015. Collection method: clinical testing. Allele origin: unknown.

NM_002474.3(MYH11):c.5788_5789insTTC (p.Arg1929_Arg1930insLeu)

Genes: MYH11 (myosin heavy chain 11; minus strand), NDE1 (nudE neurodevelopment protein 1; plus strand). Cytogenetic location: 16p13.11.
Variant type: Insertion.
Coding change: c.5788_5789insTTC on transcript NM_002474.3 (MANE Select); coding-DNA positions 5788 to 5789, TTC inserted.
Protein change: p.Arg1929_Arg1930insLeu.
Molecular consequence: inframe insertion. On other transcripts: 3 prime UTR variant (2), intron variant (2).
Genome position: GRCh38 VCF-style: chr16-15704121-C-CGAA. GRCh37 (hg19) VCF-style: chr16-15797978-C-CGAA.
Other names: c.*10_*11insTTC (NM_001040113.2, NM_022844.3); c.5809_5810insTTC, p.Arg1936_Arg1937insLeu (NM_001040114.2); c.947+7262_947+7263insAAG (NM_001143979.2, NM_017668.3).
Identifiers: ClinVar variation 1218188 (VCV001218188.7), dbSNP rs764285909, ClinGen allele CA7921067.
Genomic context (GRCh38, chr16:15,704,121, plus strand): 5'-TTTTCAATAACTCTACGTCCTCCAGACCTTCTAGAAGGAACGAAAGAGGTCTCGTTTCCT[C>CGAA]GCCTGTGGGTTGTAAGAAAACACATTATTTAGCAAAGAAATCTTCATGGTTGGGATAGAT-3'